The following is an entry in ClinVar:

NM_001164508.2(NEB):c.12905A>T (p.Asn4302Ile)

Gene: NEB (nebulin; minus strand). Cytogenetic location: 2q23.3.
Variant type: single nucleotide variant.
Coding change: c.12905A>T on transcript NM_001164508.2 (MANE Select); coding-DNA position 12905, A replaced by T.
Protein change: p.Asn4302Ile; replaces asparagine 4302 with isoleucine.
Molecular consequence: missense variant. On other transcripts: intron variant (1).
Genome position (GRCh38, 1-based): chr2:151,604,714, T>A on the plus strand (A>T on the coding strand, the complement: NEB is on the minus strand). VCF-style: chr2-151604714-T-A. GRCh37 (hg19) VCF-style: chr2-152461228-T-A.
Other names: c.12905A>T, p.Asn4302Ile (NM_001164507.2, NM_001271208.2); c.11601+5095A>T (NM_004543.5); short protein forms N4302I.
Identifiers: ClinVar variation 257727 (VCV000257727.10), dbSNP rs886038429, ClinGen allele CA10586778.

ClinVar aggregate classification (germline): Conflicting classifications of pathogenicity. Review status: criteria provided, conflicting classifications (1 of 4 stars). 5 submissions from 5 submitters: Uncertain significance (1); Likely benign (3). 1 of the submissions does not count toward it. Last evaluated 2024-07-10.

Conditions:
Nemaline myopathy 2 (NEM2). Also called: Nemaline myopathy 2, autosomal recessive. Identifiers: MedGen C1850569, MONDO:0009725, OMIM 256030.

Allele frequency attached by ClinVar (database versions not stated): gnomAD exomes 0.00046.

Submissions (5):

Blueprint Genetics
Classification: Likely benign. Last evaluated: 2024-07-10. Review status: criteria provided, single submitter. Criteria: ACMG Guidelines, 2015. Collection method: clinical testing. Allele origin: germline.

GeneDx
Classification: Likely benign. Last evaluated: 2021-03-23. Review status: criteria provided, single submitter. Criteria: GeneDx Variant Classification Process June 2021. Collection method: clinical testing. Allele origin: germline. Affected: yes.
Comment: This variant is associated with the following publications: (PMID: 25205138)

Labcorp Genetics (formerly Invitae), Labcorp
Classification: Uncertain significance for Nemaline myopathy 2. Last evaluated: 2018-11-06. Review status: criteria provided, single submitter. Criteria: Invitae Variant Classification Sherloc (09022015). Collection method: clinical testing. Allele origin: germline.
Comment: This sequence change replaces asparagine with isoleucine at codon 4302 of the NEB protein (p.Asn4302Ile). The asparagine residue is weakly conserved and there is a large physicochemical difference between asparagine and isoleucine. This variant occurs in a region of NEB (Exons 82-105) consisting of three highly homologous 8-exon repeat units (exons 82-89, exons 90-97, exons 98-105). Sequence variants in this region can be detected, but this assay cannot determine which of the three repeat units is affected, and zygosity is often ambiguous. All variants in this region are reported relative to the exon 82-89 repeat. While this variant is not present in population databases, the frequency information is unreliable, as metrics indicate poor data quality at this position in the ExAC database. This variant has not been reported in the literature in an individual with a NEB-related disease. Algorithms developed to predict the effect of missense changes on protein structure and function do not agree on the potential impact of this missense change (SIFT: "Deleterious"; PolyPhen-2: "probably damaging"; Align-GVGD: "Class C0"). In summary, this variant is a novel missense change with uncertain impact on protein function. Missense variants in the NEB gene are typically not pathogenic, and there is no indication that this variant causes disease. However, the available evidence is currently insufficient to prove that conclusively. Therefore, it has been classified as a Variant of Uncertain Significance.

PreventionGenetics, part of Exact Sciences
Classification: Likely benign. Review status: criteria provided, single submitter. Criteria: ACMG Guidelines, 2015. Collection method: clinical testing. Allele origin: germline.

Natera, Inc.
Classification: Uncertain significance for Nemaline myopathy type 2. Last evaluated: 2019-11-11. Review status: no assertion criteria provided. Collection method: clinical testing. Allele origin: germline. Not counted in ClinVar's aggregate classification.